The following is an entry in ClinVar:

ClinVar aggregate classification (germline): Uncertain significance. Review status: criteria provided, single submitter (1 of 4 stars). 2 submissions from 2 submitters: Uncertain significance (1). 1 of the submissions does not count toward it. Last evaluated 2022-06-13.

Conditions:
Cohen syndrome (COH1). Also called: PEPPER SYNDROME; Cutis verticis gyrata, retinitis pigmentosa, and sensorineural deafness. Identifiers: Orphanet 193, MedGen C0265223, MONDO:0008999, OMIM 216550.

Allele frequency attached by ClinVar (database versions not stated): gnomAD exomes below 0.00001; ExAC 0.00001; gnomAD 0.00001; ESP Exome Variant Server 0.00008.
gnomAD v4.1: 6 of 1,614,262 alleles (0.00037%); highest among the groups gnomAD compares: South Asian, 0.0033%; no homozygotes.

Submissions (2):

Labcorp Genetics (formerly Invitae), Labcorp
Classification: Uncertain significance for Cohen syndrome. Last evaluated: 2022-06-13. Review status: criteria provided, single submitter. Criteria: Invitae Variant Classification Sherloc (09022015). Collection method: clinical testing. Allele origin: germline.
Comment: This sequence change replaces asparagine, which is neutral and polar, with lysine, which is basic and polar, at codon 3551 of the VPS13B protein (p.Asn3551Lys). This variant is not present in population databases (gnomAD no frequency). This variant has not been reported in the literature in individuals affected with VPS13B-related conditions. ClinVar contains an entry for this variant (Variation ID: 1007584). Algorithms developed to predict the effect of missense changes on protein structure and function are either unavailable or do not agree on the potential impact of this missense change (SIFT: "Not Available"; PolyPhen-2: "Benign"; Align-GVGD: "Not Available"). Algorithms developed to predict the effect of sequence changes on RNA splicing suggest that this variant may create or strengthen a splice site. In summary, the available evidence is currently insufficient to determine the role of this variant in disease. Therefore, it has been classified as a Variant of Uncertain Significance.

Natera, Inc.
Classification: Uncertain significance for Cohen syndrome. Last evaluated: 2020-03-25. Review status: no assertion criteria provided. Collection method: clinical testing. Allele origin: germline. Not counted in ClinVar's aggregate classification.

NM_152564.5(VPS13B):c.10578C>G (p.Asn3526Lys)

Gene: VPS13B (vacuolar protein sorting 13 homolog B; plus strand). Cytogenetic location: 8q22.2.
Variant type: single nucleotide variant.
Coding change: c.10578C>G on transcript NM_152564.5 (MANE Select); coding-DNA position 10578, C replaced by G.
Protein change: p.Asn3526Lys; replaces asparagine 3526 with lysine.
Molecular consequence: missense variant.
Genome position (GRCh38, 1-based): chr8:99,853,967, C>G. VCF-style: chr8-99853967-C-G. GRCh37 (hg19) VCF-style: chr8-100866195-C-G.
Other names: c.10653C>G, p.Asn3551Lys (NM_017890.5); short protein forms N3526K, N3551K.
Identifiers: ClinVar variation 1007584 (VCV001007584.9), dbSNP rs148265212, ClinGen allele CA4824972.